The following is an entry in ClinVar:

NM_004836.7(EIF2AK3):c.279C>A (p.Asp93Glu)

Gene: EIF2AK3 (eukaryotic translation initiation factor 2 alpha kinase 3; minus strand). Cytogenetic location: 2p11.2.
Variant type: single nucleotide variant.
Coding change: c.279C>A on transcript NM_004836.7 (MANE Select); coding-DNA position 279, C replaced by A.
Protein change: p.Asp93Glu; replaces aspartic acid 93 with glutamic acid.
Molecular consequence: missense variant.
Genome position (GRCh38, 1-based): chr2:88,626,996, G>T on the plus strand (C>A on the coding strand, the complement: EIF2AK3 is on the minus strand). VCF-style: chr2-88626996-G-T. GRCh37 (hg19) VCF-style: chr2-88926514-G-T.
Other names: short protein forms D93E.
Identifiers: ClinVar variation 2768150 (VCV002768150.3), dbSNP rs372535313, ClinGen allele CA1754983.

ClinVar aggregate classification (germline): Uncertain significance (1 of 4 stars; one submission).

Allele frequency attached by ClinVar (database versions not stated): ExAC 0.00001.
gnomAD v4.1: 3 of 1,609,124 alleles (0.00019%); highest among the groups gnomAD compares: Non-Finnish European, 0.00025%; no homozygotes.

Submission:

Labcorp Genetics (formerly Invitae), Labcorp
Classification: Uncertain significance. Last evaluated: 2023-11-16. Review status: criteria provided, single submitter. Criteria: Invitae Variant Classification Sherloc (09022015). Collection method: clinical testing. Allele origin: germline.
Comment: This sequence change replaces aspartic acid, which is acidic and polar, with glutamic acid, which is acidic and polar, at codon 93 of the EIF2AK3 protein (p.Asp93Glu). The frequency data for this variant in the population databases is considered unreliable, as metrics indicate poor data quality at this position in the gnomAD database. This variant has not been reported in the literature in individuals affected with EIF2AK3-related conditions. Algorithms developed to predict the effect of missense changes on protein structure and function output the following: SIFT: "Not Available"; PolyPhen-2: "Benign"; Align-GVGD: "Not Available". The glutamic acid amino acid residue is found in multiple mammalian species, which suggests that this missense change does not adversely affect protein function. In summary, the available evidence is currently insufficient to determine the role of this variant in disease. Therefore, it has been classified as a Variant of Uncertain Significance.